The following is an entry in ClinVar:

NM_001267550.2(TTN):c.18407G>A (p.Arg6136Gln)

Genes: TTN (titin; minus strand), LOC126806430 (BRD4-independent group 4 enhancer GRCh37_chr2:179593794-179594993; plus strand). Cytogenetic location: 2q31.2.
Variant type: single nucleotide variant.
Coding change: c.18407G>A on transcript NM_001267550.2 (MANE Select); coding-DNA position 18407, G replaced by A.
Protein change: p.Arg6136Gln; replaces arginine 6136 with glutamine.
Molecular consequence: missense variant. On other transcripts: intron variant (3).
Genome position (GRCh38, 1-based): chr2:178,729,846, C>T on the plus strand (G>A on the coding strand, the complement: TTN is on the minus strand). VCF-style: chr2-178729846-C-T. GRCh37 (hg19) VCF-style: chr2-179594573-C-T.
Other names: p.R5819Q:CGA>CAA; c.17456G>A, p.Arg5819Gln (NM_001256850.1); c.14675G>A, p.Arg4892Gln (NM_133378.4); c.13282+8236G>A (NM_003319.4); c.13858+8236G>A (NM_133437.4); c.13657+8236G>A (NM_133432.3); short protein forms R5819Q, R6136Q, R4892Q.
Identifiers: ClinVar variation 203271 (VCV000203271.40), dbSNP rs117551279, ClinGen allele CA311877.
Genomic context (GRCh38, chr2:178,729,846, plus strand): 5'-AAGGAAATGCCATGTTTCTGAATGGCTGTTATTTCATTCCCGTCTAGATACCAAGACACT[C>T]GGATTTTAGGAGTGCCTGTTATTTGGCATTCAAATGTTGTTGACTGTCCATTCCTCAGCA-3'
Protein context (NP_001254479.2, residues 6126-6146): ECQITGTPKI[Arg6136Gln]VSWYLDGNEI

ClinVar aggregate classification (germline): Conflicting classifications of pathogenicity. Review status: criteria provided, conflicting classifications (1 of 4 stars). 14 submissions from 10 submitters: Uncertain significance (5); Benign (3); Likely benign (3). 3 of the submissions do not count toward it. Last evaluated 2026-07-01.

Conditions:
TTN-related disorder. Also called: TTN-related disorders; TTN-related condition; TTN-related disease.
Autosomal recessive limb-girdle muscular dystrophy type 2J (LGMDR10). Also called: Limb-girdle muscular dystrophy, type 2J; MUSCULAR DYSTROPHY, LIMB-GIRDLE, AUTOSOMAL RECESSIVE 10. Identifiers: Orphanet 140922, MedGen C1837342, MONDO:0012127, OMIM 608807.
Dilated cardiomyopathy 1G (CMD1G). Identifiers: Orphanet 154, MedGen C1858763, MONDO:0011400, OMIM 604145.
Cardiomyopathy (CMYO). Also called: Cardiomyopathies. Identifiers: Orphanet 167848, MedGen C0878544, MONDO:0004994, HP:0001638. Inheritance: Various modes of inheritance.
Myopathy, myofibrillar, 9, with early respiratory failure (MFM9). Also called: Hereditary myopathy with early respiratory failure; EDSTROM MYOPATHY; MYOPATHY, PROXIMAL, WITH EARLY RESPIRATORY MUSCLE INVOLVEMENT; Myopathy, distal, with early respiratory failure, autosomal dominant. Identifiers: Orphanet 178464, Orphanet 34521, MedGen C1863599, MONDO:0011362, OMIM 603689.
Early-onset myopathy with fatal cardiomyopathy (CMYO5). Also called: Salih Myopathy; CONGENITAL MYOPATHY 5 WITH CARDIOMYOPATHY. Identifiers: Orphanet 289377, MedGen C2673677, MONDO:0012714, OMIM 611705. Disease mechanism: loss of function.
Tibial muscular dystrophy (TMD). Also called: Tibial muscular dystrophy, tardive; UDD MYOPATHY; Udd Distal Myopathy – Tibial Muscular Dystrophy. Identifiers: Orphanet 609, MedGen C1838244, MONDO:0010870, OMIM 600334.

Allele frequency attached by ClinVar (database versions not stated): ESP Exome Variant Server 0.00008; gnomAD exomes 0.00011 and 0.00047; gnomAD 0.00016 and 0.00021; TOPMed 0.00025; ExAC 0.00042; 1000 Genomes Project 30x 0.00094; 1000 Genomes Project 0.00120.
gnomAD v4.1: 204 of 1,613,642 alleles (0.013%); highest among the groups gnomAD compares: East Asian, 0.31%; no homozygotes.

Submissions (14):

CeGaT Center for Human Genetics Tuebingen
Classification: Likely benign. Last evaluated: 2026-07-01. Review status: criteria provided, single submitter. Criteria: CeGaT Center For Human Genetics Tuebingen Variant Classification Criteria Version 2. Collection method: clinical testing. Allele origin: germline. Affected: yes. Observed: 1 variant allele.
Comment: TTN: BP4, BS1

Labcorp Genetics (formerly Invitae), Labcorp
Classification: Benign for Dilated cardiomyopathy 1G; Autosomal recessive limb-girdle muscular dystrophy type 2J. Last evaluated: 2026-01-25. Review status: criteria provided, single submitter. Criteria: Invitae Variant Classification Sherloc (09022015). Collection method: clinical testing. Allele origin: germline.

Blueprint Genetics
Classification: Likely benign. Last evaluated: 2024-04-11. Review status: criteria provided, single submitter. Criteria: ACMG Guidelines, 2015. Collection method: clinical testing. Allele origin: germline.

GeneDx
Classification: Likely benign. Last evaluated: 2020-07-14. Review status: criteria provided, single submitter. Criteria: GeneDx Variant Classification Process June 2021. Collection method: clinical testing. Allele origin: germline. Affected: yes.

Illumina Laboratory Services, Illumina
Classification: Uncertain significance for Dilated cardiomyopathy 1G. Last evaluated: 2018-01-12. Review status: criteria provided, single submitter. Criteria: ICSL Variant Classification Criteria 13 December 2019. Collection method: clinical testing. Allele origin: germline.

Illumina Laboratory Services, Illumina
Classification: Uncertain significance for Autosomal recessive limb-girdle muscular dystrophy type 2J. Last evaluated: 2018-01-12. Review status: criteria provided, single submitter. Criteria: ICSL Variant Classification Criteria 13 December 2019. Collection method: clinical testing. Allele origin: germline.

Illumina Laboratory Services, Illumina
Classification: Benign for Myopathy, myofibrillar, 9, with early respiratory failure. Last evaluated: 2018-01-12. Review status: criteria provided, single submitter. Criteria: ICSL Variant Classification Criteria 13 December 2019. Collection method: clinical testing. Allele origin: germline.
Comment: This variant was observed in the ICSL laboratory as part of a predisposition screen in an ostensibly healthy population. It had not been previously curated by ICSL or reported in the Human Gene Mutation Database (HGMD: prior to June 1st, 2018), and was therefore a candidate for classification through an automated scoring system. Utilizing variant allele frequency, disease prevalence and penetrance estimates, and inheritance mode, an automated score was calculated to assess if this variant is too frequent to cause the disease. Based on the score and internal cut-off values, a variant classified as benign is not then subjected to further curation. The score for this variant resulted in a classification of benign for this disease.

Illumina Laboratory Services, Illumina
Classification: Uncertain significance for Early-onset myopathy with fatal cardiomyopathy. Last evaluated: 2018-01-12. Review status: criteria provided, single submitter. Criteria: ICSL Variant Classification Criteria 13 December 2019. Collection method: clinical testing. Allele origin: germline.

Illumina Laboratory Services, Illumina
Classification: Benign for Tibial muscular dystrophy. Last evaluated: 2018-01-12. Review status: criteria provided, single submitter. Criteria: ICSL Variant Classification Criteria 13 December 2019. Collection method: clinical testing. Allele origin: germline.
Comment: the same text as in the submission from Illumina Laboratory Services, Illumina above.

CHEO Genetics Diagnostic Laboratory, Children's Hospital of Eastern Ontario
Classification: Uncertain significance for Cardiomyopathy. Last evaluated: 2017-04-11. Review status: criteria provided, single submitter. Criteria: ACMG Guidelines, 2015. Collection method: clinical testing. Allele origin: germline. Study: Canadian Open Genetics Repository.

Eurofins Ntd Llc (ga)
Classification: Uncertain significance. Last evaluated: 2017-02-02. Review status: criteria provided, single submitter. Criteria: EGL Classification Definitions 2015. Collection method: clinical testing. Allele origin: germline. Observed: 5 variant alleles, 4 heterozygotes, 1 homozygote.

PreventionGenetics, part of Exact Sciences
Classification: Likely benign for TTN-related condition. Last evaluated: 2019-08-01. Review status: no assertion criteria provided. Collection method: clinical testing. Allele origin: germline. Not counted in ClinVar's aggregate classification.
Comment: This variant is classified as likely benign based on ACMG/AMP sequence variant interpretation guidelines (Richards et al. 2015 PMID: 25741868, with internal and published modifications).

Clinical Genetics DNA and cytogenetics Diagnostics Lab, Erasmus MC, Erasmus Medical Center
Classification: Likely benign. Review status: no assertion criteria provided. Collection method: clinical testing. Allele origin: germline. Affected: yes. Study: VKGL Data-share Consensus. Not counted in ClinVar's aggregate classification.

Clinical Genetics, Academic Medical Center
Classification: Benign. Review status: no assertion criteria provided. Collection method: clinical testing. Allele origin: germline. Affected: yes. Study: VKGL Data-share Consensus. Not counted in ClinVar's aggregate classification.